The following is an entry in ClinVar:

NM_000789.4(ACE):c.2059-26_2059-4del

Gene: ACE (angiotensin I converting enzyme; plus strand). Cytogenetic location: 17q23.3.
Variant type: Deletion.
Coding change: c.2059-26_2059-4del on transcript NM_000789.4 (MANE Select); 26 bases into the intron before coding-DNA position 2059 through 4 bases into the intron before coding-DNA position 2059, 23 bases deleted (GTGACACCATCCCCCTGTGCCCT).
Molecular consequence: intron variant.
Genome position (GRCh38, 1-based): chr17:63,486,531-63,486,553, GTGACACCATCCCCCTGTGCCCT deleted; deleting any 23 consecutive bases within chr17:63,486,526-63,486,553 gives the same sequence; the c. name uses the placement nearest the transcript's 3' end. VCF-style (leftmost placement, unchanged base first): chr17-63486525-GGCCCTGTGACACCATCCCCCTGT-G. GRCh37 (hg19) VCF-style: chr17-61563886-GGCCCTGTGACACCATCCCCCTGT-G.
Other names: c.1207-26_1207-4del (NM_001382701.1); c.1492-26_1492-4del (NM_001382700.1); c.337-26_337-4del (NM_152830.3, NM_001178057.2); c.-12-26_-12-4del (NM_001382702.1).
Identifiers: ClinVar variation 2635611 (VCV002635611.1), dbSNP rs2510697819, ClinGen allele CA2695199916.

ClinVar aggregate classification (germline): Uncertain significance (1 of 4 stars; one submission).

Conditions:
ACE-related disorder. Also called: ACE-related condition; ACE-related disorders.

Submission:

PreventionGenetics, part of Exact Sciences
Classification: Uncertain significance for ACE-related condition. Last evaluated: 2023-01-11. Review status: criteria provided, single submitter. Criteria: ACMG Guidelines, 2015. Collection method: clinical testing. Allele origin: germline.
Comment: The ACE c.2059-26_2059-4del23 variant is predicted to result in an intronic deletion. This variant is predicted to affect the nearby canonical splice site (Alamut Visual Plus v1.6.1); however, the use of computer prediction programs is not equivalent to functional evidence. To our knowledge, this variant has not been reported in the literature or in a large population database, indicating this variant is rare. Although we suspect that this variant may be pathogenic, at this time, the clinical significance of this variant is uncertain due to the absence of conclusive functional and genetic evidence.